The following is an entry in ClinVar:

NM_001903.5(CTNNA1):c.2419C>G (p.Leu807Val)

Gene: CTNNA1 (catenin alpha 1; plus strand). Cytogenetic location: 5q31.2.
Variant type: single nucleotide variant.
Coding change: c.2419C>G on transcript NM_001903.5 (MANE Select); coding-DNA position 2419, C replaced by G.
Protein change: p.Leu807Val; replaces leucine 807 with valine.
Molecular consequence: missense variant. On other transcripts: intron variant (1).
Genome position (GRCh38, 1-based): chr5:138,932,698, C>G. VCF-style: chr5-138932698-C-G. GRCh37 (hg19) VCF-style: chr5-138268387-C-G.
Other names: c.2419C>G, p.Leu807Val (NM_001290307.3, NM_001323982.2, NM_001323983.1 and 2 more transcripts); c.2110C>G, p.Leu704Val (NM_001290309.3); c.2050C>G, p.Leu684Val (NM_001290310.3); c.1309C>G, p.Leu437Val (NM_001290312.1, NM_001323987.1, NM_001323988.1 and 16 more transcripts); c.2326C>G, p.Leu776Val (NM_001323986.2); c.970C>G, p.Leu324Val (NM_001324006.1, NM_001324007.1, NM_001324008.1 and 2 more transcripts); c.1216C>G, p.Leu406Val (NM_001324011.1); c.1066C>G, p.Leu356Val (NM_001324012.1, NM_001324013.1); and 2 more; short protein forms L324V, L356V, L437V, L807V, L406V, L776V, L684V, L704V.
Identifiers: ClinVar variation 856176 (VCV000856176.10), dbSNP rs1765630072, ClinGen allele CA361134546.
Genomic context (GRCh38, chr5:138,932,698, plus strand): 5'-TGCCACCAGCTGAACATCTGCAGCAAGGTCAAGGCCGAGGTGCAGAATCTCGGCGGGGAG[C>G]TTGTTGTCTCTGGGGTAAGCATTAGCTGAACAAAAAGAGGGCCAGTGGGAACGTGCTGAC-3'
Protein context (NP_001894.2, residues 797-817): KAEVQNLGGE[Leu807Val]VVSGVDSAMS

ClinVar aggregate classification (germline): Conflicting classifications of pathogenicity. Review status: criteria provided, conflicting classifications (1 of 4 stars). 2 submissions from 2 submitters: Uncertain significance (1); Likely benign (1). Last evaluated 2025-01-21.

Conditions:
Hereditary cancer-predisposing syndrome. Also called: Tumor predisposition; Hereditary neoplastic syndrome; Neoplastic Syndromes, Hereditary; Hereditary Cancer Syndrome. Identifiers: Orphanet 140162, MedGen C0027672, MeSH D009386, MONDO:0015356.

Allele frequency attached by ClinVar (database versions not stated): gnomAD 0.00001; TOPMed 0.00001.
gnomAD v4.1: 1 of 1,614,016 alleles (0.000062%); highest among the groups gnomAD compares: Non-Finnish European, 0.000085%; no homozygotes.

Submissions (2):

Labcorp Genetics (formerly Invitae), Labcorp
Classification: Uncertain significance. Last evaluated: 2025-01-21. Review status: criteria provided, single submitter. Criteria: Invitae Variant Classification Sherloc (09022015). Collection method: clinical testing. Allele origin: germline.
Comment: This sequence change replaces leucine, which is neutral and non-polar, with valine, which is neutral and non-polar, at codon 807 of the CTNNA1 protein (p.Leu807Val). This variant is not present in population databases (gnomAD no frequency). This variant has not been reported in the literature in individuals affected with CTNNA1-related conditions. ClinVar contains an entry for this variant (Variation ID: 856176). An algorithm developed to predict the effect of missense changes on protein structure and function (PolyPhen-2) suggests that this variant is likely to be tolerated. In summary, the available evidence is currently insufficient to determine the role of this variant in disease. Therefore, it has been classified as a Variant of Uncertain Significance.

Ambry Genetics
Classification: Likely benign for Hereditary cancer-predisposing syndrome. Last evaluated: 2024-07-15. Review status: criteria provided, single submitter. Criteria: Ambry Variant Classification Scheme 2023. Collection method: clinical testing. Allele origin: germline.